The following is an entry in ClinVar:

ClinVar aggregate classification (germline): Uncertain significance (1 of 4 stars; one submission).

Conditions:
Catecholaminergic polymorphic ventricular tachycardia 1. Also called: VENTRICULAR TACHYCARDIA, CATECHOLAMINERGIC POLYMORPHIC, 1, WITH OR WITHOUT ATRIAL DYSFUNCTION AND/OR DILATED CARDIOMYOPATHY; RYR2-Related Catecholaminergic Polymorphic Ventricular Tachycardia; VENTRICULAR TACHYCARDIA, STRESS-INDUCED POLYMORPHIC 1. Identifiers: Orphanet 3286, MedGen C1631597, MONDO:0011484, OMIM 604772.

Submission:

Labcorp Genetics (formerly Invitae), Labcorp
Classification: Uncertain significance for Catecholaminergic polymorphic ventricular tachycardia 1. Last evaluated: 2025-03-31. Review status: criteria provided, single submitter. Criteria: Invitae Variant Classification Sherloc (09022015). Collection method: clinical testing. Allele origin: germline.
Comment: This sequence change replaces arginine, which is basic and polar, with lysine, which is basic and polar, at codon 3381 of the RYR2 protein (p.Arg3381Lys). This variant also falls at the last nucleotide of exon 69, which is part of the consensus splice site for this exon. This variant is not present in population databases (gnomAD no frequency). This variant has not been reported in the literature in individuals affected with RYR2-related conditions. ClinVar contains an entry for this variant (Variation ID: 404216). An algorithm developed to predict the effect of missense changes on protein structure and function (PolyPhen-2) suggests that this variant is likely to be disruptive. Variants that disrupt the consensus splice site are a relatively common cause of aberrant splicing (PMID: 17576681, 9536098). Algorithms developed to predict the effect of sequence changes on RNA splicing suggest that this variant may disrupt the consensus splice site. In summary, the available evidence is currently insufficient to determine the role of this variant in disease. Therefore, it has been classified as a Variant of Uncertain Significance.

Literature cited by the submitters: PubMed 17576681; PubMed 9536098.

NM_001035.3(RYR2):c.10142G>A (p.Arg3381Lys)

Gene: RYR2 (ryanodine receptor 2; plus strand). Cytogenetic location: 1q43.
Variant type: single nucleotide variant.
Coding change: c.10142G>A on transcript NM_001035.3 (MANE Select); coding-DNA position 10142, G replaced by A.
Protein change: p.Arg3381Lys; replaces arginine 3381 with lysine.
Molecular consequence: missense variant.
Genome position (GRCh38, 1-based): chr1:237,709,098, G>A. VCF-style: chr1-237709098-G-A. GRCh37 (hg19) VCF-style: chr1-237872398-G-A.
Other names: c.10142G>A, p.Arg3381Lys (LRG_402t1); short protein forms R3381K.
Identifiers: ClinVar variation 404216 (VCV000404216.10), dbSNP rs1060500154, ClinGen allele CA16610019.